The following is an entry in ClinVar:

NM_005026.5(PIK3CD):c.141+3A>G

Gene: PIK3CD (phosphatidylinositol-4,5-bisphosphate 3-kinase catalytic subunit delta; plus strand). Cytogenetic location: 1p36.22.
Variant type: single nucleotide variant.
Coding change: c.141+3A>G on transcript NM_005026.5 (MANE Select); 3 bases into the intron after coding-DNA position 141, A replaced by G.
Molecular consequence: intron variant.
Genome position (GRCh38, 1-based): chr1:9,710,599, A>G. VCF-style: chr1-9710599-A-G. GRCh37 (hg19) VCF-style: chr1-9770657-A-G.
Other names: c.141+3A>G (LRG_191t1, NM_001350234.2, NM_001350235.1).
Identifiers: ClinVar variation 652075 (VCV000652075.5), dbSNP rs1465930805, ClinGen allele CA521120099.

ClinVar aggregate classification (germline): Uncertain significance (1 of 4 stars; one submission).

Conditions:
Immunodeficiency 14 (IMD14A). Also called: p110-DELTA-ACTIVATING MUTATION CAUSING SENESCENT T CELLS, LYMPHADENOPATHY, AND IMMUNODEFICIENCY; IMMUNODEFICIENCY 14A WITH LYMPHOPROLIFERATION, AUTOSOMAL DOMINANT; ACTIVATED PI3K-DELTA SYNDROME 1; Activated PI3K Delta Syndrome Type 1 (APDS1). Identifiers: Orphanet 397596, Orphanet 693661, MedGen C5907821, MONDO:0014222, OMIM 615513.

Allele frequency attached by ClinVar (database versions not stated): gnomAD exomes below 0.00001; TOPMed below 0.00001; gnomAD 0.00001.
gnomAD v4.1: 7 of 1,613,672 alleles (0.00043%); highest among the groups gnomAD compares: African/African-American, 0.0013%; no homozygotes.

Submission:

Labcorp Genetics (formerly Invitae), Labcorp
Classification: Uncertain significance for Activated PI3K-delta syndrome. Last evaluated: 2024-07-10. Review status: criteria provided, single submitter. Criteria: Invitae Variant Classification Sherloc (09022015). Collection method: clinical testing. Allele origin: germline.
Comment: This sequence change falls in intron 3 of the PIK3CD gene. It does not directly change the encoded amino acid sequence of the PIK3CD protein. It affects a nucleotide within the consensus splice site. This variant is present in population databases (no rsID available, gnomAD 0.002%). This variant has not been reported in the literature in individuals affected with PIK3CD-related conditions. ClinVar contains an entry for this variant (Variation ID: 652075). Variants that disrupt the consensus splice site are a relatively common cause of aberrant splicing (PMID: 17576681, 9536098). Algorithms developed to predict the effect of sequence changes on RNA splicing suggest that this variant is not likely to affect RNA splicing. In summary, the available evidence is currently insufficient to determine the role of this variant in disease. Therefore, it has been classified as a Variant of Uncertain Significance.

Literature cited by the submitters: PubMed 17576681; PubMed 9536098.